The following is an entry in ClinVar:

NM_014140.4(SMARCAL1):c.427_430del (p.Leu143fs)

Gene: SMARCAL1 (SNF2 related chromatin remodeling annealing helicase 1; plus strand). Cytogenetic location: 2q35.
Variant type: Deletion.
Coding change: c.427_430del on transcript NM_014140.4 (MANE Select); coding-DNA positions 427 to 430, 4 bases deleted (TTAG; older notation c.427_430delTTAG).
Protein change: p.Leu143fs; shifts the reading frame from leucine 143.
Molecular consequence: frameshift variant.
Genome position (GRCh38, 1-based): chr2:216,415,131-216,415,134, TTAG deleted; deleting any 4 consecutive bases within chr2:216,415,129-216,415,134 gives the same sequence; the c. name uses the placement nearest the transcript's 3' end. VCF-style (leftmost placement, unchanged base first): chr2-216415128-GAGTT-G. GRCh37 (hg19) VCF-style: chr2-217279851-GAGTT-G.
Other names: c.427_430del, p.Leu143fs (NM_001127207.2); short protein forms L143fs.
Identifiers: ClinVar variation 2766424 (VCV002766424.4), dbSNP rs1693559368, ClinGen allele CA1327821310.

ClinVar aggregate classification (germline): Pathogenic/Likely pathogenic. Review status: criteria provided, multiple submitters, no conflicts (2 of 4 stars). 2 submissions from 2 submitters: Pathogenic (1); Likely pathogenic (1). Last evaluated 2024-02-12.

Conditions:
Schimke immuno-osseous dysplasia (SIOD). Also called: Schimke Immunoosseous Dysplasia. Identifiers: Orphanet 1830, MedGen C0877024, MONDO:0009458, OMIM 242900.

Submissions (2):

Fulgent Genetics
Classification: Likely pathogenic for Schimke immuno-osseous dysplasia. Last evaluated: 2024-02-12. Review status: criteria provided, single submitter. Criteria: ACMG Guidelines, 2015. Collection method: clinical testing. Allele origin: germline.

Labcorp Genetics (formerly Invitae), Labcorp
Classification: Pathogenic for Schimke immuno-osseous dysplasia. Last evaluated: 2023-10-06. Review status: criteria provided, single submitter. Criteria: Invitae Variant Classification Sherloc (09022015). Collection method: clinical testing. Allele origin: germline.
Comment: This sequence change creates a premature translational stop signal (p.Leu143Valfs*47) in the SMARCAL1 gene. It is expected to result in an absent or disrupted protein product. Loss-of-function variants in SMARCAL1 are known to be pathogenic (PMID: 11799392, 20301550). This variant is not present in population databases (gnomAD no frequency). This variant has not been reported in the literature in individuals affected with SMARCAL1-related conditions. For these reasons, this variant has been classified as Pathogenic.

Literature cited by the submitters: PubMed 11799392 (cited by Labcorp Genetics (formerly Invitae), Labcorp); PubMed 20301550 (cited by Labcorp Genetics (formerly Invitae), Labcorp).